The following is an entry in ClinVar:

NM_000352.6(ABCC8):c.1455G>T (p.Gln485His)

Gene: ABCC8 (ATP binding cassette subfamily C member 8; minus strand). Cytogenetic location: 11p15.1.
Variant type: single nucleotide variant.
Coding change: c.1455G>T on transcript NM_000352.6 (MANE Select); coding-DNA position 1455, G replaced by T.
Protein change: p.Gln485His; replaces glutamine 485 with histidine.
Molecular consequence: missense variant. On other transcripts: non-coding transcript variant (1).
Genome position (GRCh38, 1-based): chr11:17,443,190, C>A on the plus strand (G>T on the coding strand, the complement: ABCC8 is on the minus strand). VCF-style: chr11-17443190-C-A. GRCh37 (hg19) VCF-style: chr11-17464737-C-A.
Other names: c.1455G>T, p.Gln485His (NM_001287174.3, NM_001351295.2); c.1452G>T, p.Gln484His (NM_001351296.2, NM_001351297.2); short protein forms Q484H, Q485H.
Identifiers: ClinVar variation 4800395 (VCV004800395.1).
Genomic context (GRCh38, chr11:17,443,190, plus strand): 5'-GGGAAGGAGGGGAAGAGGGACAAAACACACACACCTTTGGGCACTCACCAGTGTGCTCCG[C>A]TGGGCCTGAGACAGCTTGGTGGCCACGAAGTACTGGACAGGAGCCAGTAGAATGATGACA-3'
Protein context (NP_000343.2, residues 475-495): YFVATKLSQA[Gln485His]RSTLEYSNER

ClinVar aggregate classification (germline): Pathogenic (1 of 4 stars; one submission).

Submission:

Labcorp Genetics (formerly Invitae), Labcorp
Classification: Pathogenic. Last evaluated: 2025-04-01. Review status: criteria provided, single submitter. Criteria: Invitae Variant Classification Sherloc (09022015). Collection method: clinical testing. Allele origin: germline.
Comment: This sequence change replaces glutamine, which is neutral and polar, with histidine, which is basic and polar, at codon 485 of the ABCC8 protein (p.Gln485His). This variant is not present in population databases (gnomAD no frequency). This missense change has been observed in individual(s) with ABCC8-related early onset diabetes (PMID: 21049026). In at least one individual the variant was observed to be de novo. Invitae Evidence Modeling of protein sequence and biophysical properties (such as structural, functional, and spatial information, amino acid conservation, physicochemical variation, residue mobility, and thermodynamic stability) indicates that this missense variant is expected to disrupt ABCC8 protein function with a positive predictive value of 95%. For these reasons, this variant has been classified as Pathogenic.

Literature cited by the submitters: PubMed 21049026.